The following is an entry in ClinVar:

NM_004787.4(SLIT2):c.219A>G (p.Thr73=)

Gene: SLIT2 (slit guidance ligand 2; plus strand). Cytogenetic location: 4p15.31.
Variant type: single nucleotide variant.
Coding change: c.219A>G on transcript NM_004787.4 (MANE Select); coding-DNA position 219, A replaced by G.
Protein change: p.Thr73=; no amino-acid change (threonine 73 retained).
Molecular consequence: synonymous variant.
Genome position (GRCh38, 1-based): chr4:20,256,711, A>G. VCF-style: chr4-20256711-A-G. GRCh37 (hg19) VCF-style: chr4-20258334-A-G.
Other names: c.219A>G, p.Thr73= (NM_001289135.3, NM_001289136.3).
Identifiers: ClinVar variation 3350479 (VCV003350479.1).
Genomic context (GRCh38, chr4:20,256,711, plus strand): 5'-ACTTTCTGGTTTTTCTCTTAGGGATTTAAATGGAAATAACATCACAAGAATTACGAAGAC[A>G]GATTTTGCTGGTCTTAGACATCTAAGAGTTCTGTAAGTGCATCCTCTGTATTTTTAAATA-3'
Protein context (NP_004778.1, residues 63-83): NGNNITRITK[Thr73=]DFAGLRHLRV

ClinVar aggregate classification (germline): Likely benign (0 of 4 stars; one submission).

Conditions:
SLIT2-related disorder. Also called: SLIT2-related condition.

gnomAD v4.1: 4 of 1,576,696 alleles (0.00025%); highest among the groups gnomAD compares: African/African-American, 0.0027%; no homozygotes.

Submission:

PreventionGenetics, part of Exact Sciences
Classification: Likely benign for SLIT2-related condition. Last evaluated: 2024-07-15. Review status: no assertion criteria provided. Collection method: clinical testing. Allele origin: germline.
Comment: This variant is classified as likely benign based on ACMG/AMP sequence variant interpretation guidelines (Richards et al. 2015 PMID: 25741868, with internal and published modifications).